The following is an entry in ClinVar:

ClinVar aggregate classification (germline): Uncertain significance (1 of 4 stars; one submission).

Conditions:
Microcephaly 5, primary, autosomal recessive (MCPH5). Also called: ASPM Primary Microcephaly. Identifiers: Orphanet 2512, MedGen C1837501, MONDO:0012106, OMIM 608716.

Allele frequency attached by ClinVar (database versions not stated): gnomAD exomes below 0.00001.
gnomAD v4.1: 2 of 1,611,668 alleles (0.00012%); highest among the groups gnomAD compares: Non-Finnish European, 0.000085%; no homozygotes.

Submission:

Victorian Clinical Genetics Services, Murdoch Childrens Research Institute
Classification: Uncertain significance for Microcephaly 5, primary, autosomal recessive. Last evaluated: 2020-06-11. Review status: criteria provided, single submitter. Criteria: ACMG Guidelines, 2015. Collection method: clinical testing. Allele origin: germline. Inheritance: Autosomal recessive inheritance. Affected: yes.
Comment: Based on the classification scheme VCGS_Germline_v1.1.1, this variant is classified as 3C-VUS. Following criteria are met: 0102 - Loss-of-function is a known mechanism of disease for this gene. Disease-associated missense variants in this gene are rare but they have been reported (ClinVar, PMIDs: 20978018, 28004384). (N) 0106 - This gene is known to be associated with autosomal recessive disease. (N) 0200 - Variant is predicted to result in a missense amino acid change from histidine to arginine (exon 18). (N) 0251 - Variant is heterozygous. (N) 0301 - Variant is absent from gnomAD. (P) 0309 - An alternative amino acid change at the same position has been observed in gnomAD (p.(His2646Tyr), 1 heterozygote, 0 homozygotes). (N) 0503 - Missense variant consistently predicted to be tolerated or not conserved in mammals with a minor amino acid change. (B) 0600 - Variant is located in an annotated domain or motif (IQ28 domain among a series of repeated calmodulin-binding IQ domains; PDB, PMID: 29243349). (N) 0705 - No comparable variants have previous evidence for pathogenicity. (N) 0807 - Variant has not previously been reported in a clinical context. (N) 0905 - No segregation evidence has been identified for this variant. (N) 1007 - No published functional evidence has been identified for this variant. (N) 1208 - Inheritance information for this variant is not currently available. (N) Legend: (P) - Pathogenic, (N) - Neutral, (B) - Benign

Literature cited by the submitters: PubMed 20978018; PubMed 28004384; PubMed 29243349.

NM_018136.5(ASPM):c.7937A>G (p.His2646Arg)

Gene: ASPM (assembly factor for spindle microtubules; minus strand). Cytogenetic location: 1q31.3.
Variant type: single nucleotide variant.
Coding change: c.7937A>G on transcript NM_018136.5 (MANE Select); coding-DNA position 7937, A replaced by G.
Protein change: p.His2646Arg; replaces histidine 2646 with arginine.
Molecular consequence: missense variant. On other transcripts: intron variant (1).
Genome position (GRCh38, 1-based): chr1:197,101,314, T>C on the plus strand (A>G on the coding strand, the complement: ASPM is on the minus strand). VCF-style: chr1-197101314-T-C. GRCh37 (hg19) VCF-style: chr1-197070444-T-C.
Other names: c.4066-5150A>G (NM_001206846.2); short protein forms H2646R.
Identifiers: ClinVar variation 1806254 (VCV001806254.1), dbSNP rs2527291003, ClinGen allele CA344014597.